The following is an entry in ClinVar:

NM_031844.3(HNRNPU):c.2227G>A (p.Gly743Ser)

Gene: HNRNPU (heterogeneous nuclear ribonucleoprotein U; minus strand). Cytogenetic location: 1q44.
Variant type: single nucleotide variant.
Coding change: c.2227G>A on transcript NM_031844.3 (MANE Select); coding-DNA position 2227, G replaced by A.
Protein change: p.Gly743Ser; replaces glycine 743 with serine.
Molecular consequence: missense variant.
Genome position (GRCh38, 1-based): chr1:244,855,549, C>T on the plus strand (G>A on the coding strand, the complement: HNRNPU is on the minus strand). VCF-style: chr1-244855549-C-T. GRCh37 (hg19) VCF-style: chr1-245018851-C-T.
Other names: c.2227G>A (NM_031844.2); c.2170G>A, p.Gly724Ser (NM_004501.3); short protein forms G724S, G743S.
Identifiers: ClinVar variation 1046728 (VCV001046728.28), dbSNP rs144984907, ClinGen allele CA1486277.

ClinVar aggregate classification (germline): Likely benign. Review status: criteria provided, multiple submitters, no conflicts (2 of 4 stars). 3 submissions from 3 submitters: Likely benign (3). Last evaluated 2025-12-15.

Conditions:
Developmental and epileptic encephalopathy, 54. Also called: HNRNPU-Related Neurodevelopmental Disorder; Epileptic encephalopathy, early infantile, 54. Identifiers: MedGen C4479319, MONDO:0033363, OMIM 617391.
Inborn genetic diseases. Identifiers: MedGen C0950123, MeSH D030342.

Allele frequency attached by ClinVar (database versions not stated): gnomAD exomes 0.00003 and 0.00002; ESP Exome Variant Server 0.00008; gnomAD 0.00011; TOPMed 0.00015; 1000 Genomes Project 0.00020; 1000 Genomes Project 30x 0.00031; ExAC 0.00003.
gnomAD v4.1: 47 of 1,614,062 alleles (0.0029%); highest among the groups gnomAD compares: African/African-American, 0.052%; no homozygotes.

Submissions (3):

Ambry Genetics
Classification: Likely benign for Inborn genetic diseases. Last evaluated: 2025-12-15. Review status: criteria provided, single submitter. Criteria: Ambry Variant Classification Scheme 2023. Collection method: clinical testing. Allele origin: germline.

Labcorp Genetics (formerly Invitae), Labcorp
Classification: Likely benign for Developmental and epileptic encephalopathy, 54. Last evaluated: 2025-08-29. Review status: criteria provided, single submitter. Criteria: Invitae Variant Classification Sherloc (09022015). Collection method: clinical testing. Allele origin: germline.

CeGaT Center for Human Genetics Tuebingen
Classification: Likely benign. Last evaluated: 2023-12-01. Review status: criteria provided, single submitter. Criteria: CeGaT Center For Human Genetics Tuebingen Variant Classification Criteria Version 2. Collection method: clinical testing. Allele origin: germline. Affected: yes. Observed: 1 variant allele.
Comment: HNRNPU: BP4, BS2